The following is an entry in ClinVar:

NM_012193.4(FZD4):c.976A>C (p.Thr326Pro)

Genes: FZD4 (frizzled class receptor 4; minus strand), PRSS23 (serine protease 23; plus strand). Cytogenetic location: 11q14.2.
Variant type: single nucleotide variant.
Coding change: c.976A>C on transcript NM_012193.4 (MANE Select); coding-DNA position 976, A replaced by C.
Protein change: p.Thr326Pro; replaces threonine 326 with proline.
Molecular consequence: missense variant. On other transcripts: non-coding transcript variant (2).
Genome position (GRCh38, 1-based): chr11:86,951,780, T>G on the plus strand (A>C on the coding strand, the complement: FZD4 is on the minus strand). VCF-style: chr11-86951780-T-G. GRCh37 (hg19) VCF-style: chr11-86662822-T-G.
Other names: short protein forms T326P.
Identifiers: ClinVar variation 3365266 (VCV003365266.3).

ClinVar aggregate classification (germline): Uncertain significance. Review status: criteria provided, multiple submitters, no conflicts (2 of 4 stars). 2 submissions from 2 submitters: Uncertain significance (2). Last evaluated 2025-01-12.

Submissions (2):

Labcorp Genetics (formerly Invitae), Labcorp
Classification: Uncertain significance. Last evaluated: 2025-01-12. Review status: criteria provided, single submitter. Criteria: Invitae Variant Classification Sherloc (09022015). Collection method: clinical testing. Allele origin: germline.
Comment: This sequence change replaces threonine, which is neutral and polar, with proline, which is neutral and non-polar, at codon 326 of the FZD4 protein (p.Thr326Pro). This variant is not present in population databases (gnomAD no frequency). This variant has not been reported in the literature in individuals affected with FZD4-related conditions. Invitae Evidence Modeling of protein sequence and biophysical properties (such as structural, functional, and spatial information, amino acid conservation, physicochemical variation, residue mobility, and thermodynamic stability) has been performed for this missense variant. However, the output from this modeling did not meet the statistical confidence thresholds required to predict the impact of this variant on FZD4 protein function. In summary, the available evidence is currently insufficient to determine the role of this variant in disease. Therefore, it has been classified as a Variant of Uncertain Significance.

GeneDx
Classification: Uncertain significance. Last evaluated: 2023-12-04. Review status: criteria provided, single submitter. Criteria: GeneDx Variant Classification Process June 2021. Collection method: clinical testing. Allele origin: germline. Affected: yes.
Comment: Not observed at significant frequency in large population cohorts (gnomAD); In silico analysis supports that this missense variant has a deleterious effect on protein structure/function; Has not been previously published as pathogenic or benign to our knowledge